The following is an entry in ClinVar:

ClinVar aggregate classification (germline): Uncertain significance. Review status: criteria provided, multiple submitters, no conflicts (2 of 4 stars). 3 submissions from 3 submitters: Uncertain significance (3). Last evaluated 2025-06-26.

Conditions:
SBF2-related disorder. Also called: SBF2-related condition.
Inborn genetic diseases. Identifiers: MedGen C0950123, MeSH D030342.
Charcot-Marie-Tooth disease type 4. Also called: Charcot-Marie-Tooth disease, type IV; Charcot-Marie-Tooth, Type 4. Identifiers: Orphanet 64749, MedGen C4082197, MONDO:0018995.

Allele frequency attached by ClinVar (database versions not stated): gnomAD 0.00001; TOPMed 0.00001; gnomAD exomes 0.00003 and 0.00006; ExAC 0.00007.
gnomAD v4.1: 37 of 1,605,490 alleles (0.0023%); highest among the groups gnomAD compares: East Asian, 0.083%; no homozygotes.

Submissions (3):

PreventionGenetics, part of Exact Sciences
Classification: Uncertain significance for SBF2-related condition. Last evaluated: 2025-06-26. Review status: criteria provided, single submitter. Criteria: ACMG Guidelines, 2015. Collection method: clinical testing. Allele origin: germline.
Comment: The SBF2 c.1061A>C variant is predicted to result in the amino acid substitution p.Glu354Ala. To our knowledge, this variant has not been reported in the literature. This variant is reported in 0.077% of alleles in individuals of East Asian descent in gnomAD, which may be too frequent for an unreported disease-causing variant. Although we suspect that this variant may be benign, at this time, the clinical significance of this variant is uncertain due to the absence of conclusive functional and genetic evidence.

Ambry Genetics
Classification: Uncertain significance for Inborn genetic diseases. Last evaluated: 2023-12-28. Review status: criteria provided, single submitter. Criteria: Ambry Variant Classification Scheme 2023. Collection method: clinical testing. Allele origin: germline.

Labcorp Genetics (formerly Invitae), Labcorp
Classification: Uncertain significance for Charcot-Marie-Tooth disease type 4. Last evaluated: 2022-10-04. Review status: criteria provided, single submitter. Criteria: Invitae Variant Classification Sherloc (09022015). Collection method: clinical testing. Allele origin: germline.
Comment: ClinVar contains an entry for this variant (Variation ID: 403858). This variant has not been reported in the literature in individuals affected with SBF2-related conditions. This variant is present in population databases (rs761829741, gnomAD 0.06%). This sequence change replaces glutamic acid, which is acidic and polar, with alanine, which is neutral and non-polar, at codon 354 of the SBF2 protein (p.Glu354Ala). In summary, the available evidence is currently insufficient to determine the role of this variant in disease. Therefore, it has been classified as a Variant of Uncertain Significance. Advanced modeling of protein sequence and biophysical properties (such as structural, functional, and spatial information, amino acid conservation, physicochemical variation, residue mobility, and thermodynamic stability) performed at Invitae indicates that this missense variant is expected to disrupt SBF2 protein function.

NM_030962.4(SBF2):c.1061A>C (p.Glu354Ala)

Gene: SBF2 (SET binding factor 2; minus strand). Cytogenetic location: 11p15.4.
Variant type: single nucleotide variant.
Coding change: c.1061A>C on transcript NM_030962.4 (MANE Select); coding-DNA position 1061, A replaced by C.
Protein change: p.Glu354Ala; replaces glutamic acid 354 with alanine.
Molecular consequence: missense variant.
Genome position (GRCh38, 1-based): chr11:9,993,096, T>G on the plus strand (A>C on the coding strand, the complement: SBF2 is on the minus strand). VCF-style: chr11-9993096-T-G. GRCh37 (hg19) VCF-style: chr11-10014643-T-G.
Other names: c.1061A>C, p.Glu354Ala (NM_001386339.1, NM_001386342.1); short protein forms E354A.
Identifiers: ClinVar variation 403858 (VCV000403858.11), dbSNP rs761829741, ClinGen allele CA5881917.
Genomic context (GRCh38, chr11:9,993,096, plus strand): 5'-AGGCAGGATCTATATCCTTGGAAGAGTTGTGCAAATAATCTAAGGAAAACGGCTCGCACC[T>G]CTTTATCCTAAAAATATAAGAAGAAATGTTAGGTAATTTAACTTTTTAAAAACAAATGAA-3'
Protein context (NP_112224.1, residues 344-364): ALSHSKMLDK[Glu354Ala]VRAVFLRLFA